The following is an entry in ClinVar:

ClinVar aggregate classification (germline): Likely pathogenic (1 of 4 stars; one submission).

Conditions:
Ethylmalonic encephalopathy (EE). Also called: EPEMA syndrome; Encephalopathy, petechiae, and ethylmalonic aciduria; Syndrome of encephalopathy, petechiae, and ethylmalonic aciduria. Identifiers: Orphanet 51188, MedGen C1865349, MONDO:0011229, OMIM 602473. Disease mechanism: loss of function.

gnomAD v4.1: 1 of 1,613,956 alleles (0.000062%); highest among the groups gnomAD compares: African/African-American, 0.0013%; no homozygotes.

Submission:

Natera, Inc.
Classification: Likely pathogenic for Ethylmalonic encephalopathy. Last evaluated: 2024-08-08. Review status: criteria provided, single submitter. Criteria: Natera Variant Classification Schema (03/2026). Collection method: clinical testing. Allele origin: germline.
Comment: The c.375+1G>A variant in ETHE1 is a canonical splice donor site variant predicted to affect pre-mRNA splicing, which may result in an abnormal transcript and altered protein product. This variant is expected to result in nonsense mediated decay, truncation, or a dysfunctional protein product. This variant is rare in the general population with a frequency below the threshold expected for the associated phenotype(s). Given the available evidence, this variant is classified as Likely Pathogenic.

NM_014297.5(ETHE1):c.375+1G>A

Gene: ETHE1 (ETHE1 persulfide dioxygenase; minus strand). Cytogenetic location: 19q13.31.
Variant type: single nucleotide variant.
Coding change: c.375+1G>A on transcript NM_014297.5 (MANE Select); the canonical splice donor site of the intron after coding-DNA position 375, G replaced by A.
Molecular consequence: splice donor variant. On other transcripts: intron variant (2).
Genome position (GRCh38, 1-based): chr19:43,526,200, C>T on the plus strand (G>A on the coding strand, the complement: ETHE1 is on the minus strand). VCF-style: chr19-43526200-C-T. GRCh37 (hg19) VCF-style: chr19-44030352-C-T.
Other names: c.81+897G>A (NM_001320869.2); c.6+315G>A (NM_001320868.2); c.342+1G>A (NM_001320867.2).
Identifiers: ClinVar variation 4815659 (VCV004815659.1).